The following is an entry in ClinVar:

ClinVar aggregate classification (germline): Uncertain significance. Review status: criteria provided, multiple submitters, no conflicts (2 of 4 stars). 4 submissions from 4 submitters: Uncertain significance (3). 1 of the submissions does not count toward it. Last evaluated 2025-03-27.

Conditions:
NLRP3-related disorder. Also called: NLRP3-related condition; NLRP3-Related Disorders.
Cryopyrin associated periodic syndrome (CAPS). Identifiers: Orphanet 208650, MedGen C2316212, MONDO:0016168.
Chronic infantile neurological, cutaneous and articular syndrome (CINCA). Also called: CHRONIC NEUROLOGIC CUTANEOUS AND ARTICULAR SYNDROME; CINCA syndrome; Prieur Griscelli syndrome; CRYOPYRIN-ASSOCIATED PERIODIC SYNDROME 3. Identifiers: Orphanet 1451, MedGen C0409818, MONDO:0011776, OMIM 607115.
Familial amyloid nephropathy with urticaria AND deafness (MWS). Also called: UDA SYNDROME; URTICARIA-DEAFNESS-AMYLOIDOSIS SYNDROME; MUCKLE-WELLS SYNDROME; Urticaria, deafness and amyloidosis; CRYOPYRIN-ASSOCIATED PERIODIC SYNDROME 2. Identifiers: Orphanet 575, MedGen C0268390, MONDO:0008633, OMIM 191900.
Hearing loss, autosomal dominant 34, with or without inflammation. Also called: DEAFNESS, AUTOSOMAL DOMINANT 34, WITH OR WITHOUT INFLAMMATION. Identifiers: MedGen C4521680, MONDO:0033261, OMIM 617772.
Familial cold autoinflammatory syndrome 1 (FCAS1). Also called: CRYOPYRIN-ASSOCIATED PERIODIC SYNDROME 1; Familial cold inflammatory syndrome 1. Identifiers: Orphanet 47045, MedGen C4551895, MONDO:0007349, OMIM 120100.
Keratitis fugax hereditaria. Also called: KERATOENDOTHELIITIS FUGAX HEREDITARIA. Identifiers: Orphanet 647815, MedGen C1835697, MONDO:0007849, OMIM 148200.

Allele frequency attached by ClinVar (database versions not stated): gnomAD 0.00003; gnomAD exomes below 0.00001; TOPMed 0.00002.
gnomAD v4.1: 4 of 1,614,186 alleles (0.00025%); highest among the groups gnomAD compares: Non-Finnish European, 0.00017%; no homozygotes.

Submissions (4):

Labcorp Genetics (formerly Invitae), Labcorp
Classification: Uncertain significance for Cryopyrin associated periodic syndrome. Last evaluated: 2025-03-27. Review status: criteria provided, single submitter. Criteria: Invitae Variant Classification Sherloc (09022015). Collection method: clinical testing. Allele origin: germline.
Comment: This sequence change replaces threonine, which is neutral and polar, with alanine, which is neutral and non-polar, at codon 559 of the NLRP3 protein (p.Thr559Ala). This variant is present in population databases (rs180177461, gnomAD 0.007%). This variant has not been reported in the literature in individuals affected with NLRP3-related conditions. ClinVar contains an entry for this variant (Variation ID: 97942). Invitae Evidence Modeling of protein sequence and biophysical properties (such as structural, functional, and spatial information, amino acid conservation, physicochemical variation, residue mobility, and thermodynamic stability) indicates that this missense variant is not expected to disrupt NLRP3 protein function with a negative predictive value of 95%. In summary, the available evidence is currently insufficient to determine the role of this variant in disease. Therefore, it has been classified as a Variant of Uncertain Significance.

PreventionGenetics, part of Exact Sciences
Classification: Uncertain significance for NLRP3-related condition. Last evaluated: 2022-08-19. Review status: criteria provided, single submitter. Criteria: ACMG Guidelines, 2015. Collection method: clinical testing. Allele origin: germline.
Comment: The NLRP3 c.1675A>G variant is predicted to result in the amino acid substitution p.Thr559Ala. To our knowledge, this variant has not been reported in the literature. This variant is reported in 0.0065% of alleles in individuals of European (Non-Finnish) descent in gnomAD. At this time, the clinical significance of this variant is uncertain due to the absence of conclusive functional and genetic evidence.

Fulgent Genetics
Classification: Uncertain significance for Familial cold autoinflammatory syndrome 1; Keratitis fugax hereditaria; Familial amyloid nephropathy with urticaria AND deafness; Chronic infantile neurological, cutaneous and articular syndrome; Hearing loss, autosomal dominant 34, with or without inflammation. Last evaluated: 2022-03-22. Review status: criteria provided, single submitter. Criteria: ACMG Guidelines, 2015. Collection method: clinical testing. Allele origin: unknown.

Unité médicale des maladies autoinflammatoires, CHRU Montpellier
No classification provided. Condition: Familial cold urticaria. Review status: no classification provided. Collection method: not provided. Allele origin: unknown. Not counted in ClinVar's aggregate classification.
Comment: also involved in OMIM 191900 and 607115

NM_001243133.2(NLRP3):c.1669A>G (p.Thr557Ala)

Gene: NLRP3 (NLR family pyrin domain containing 3; plus strand). Cytogenetic location: 1q44.
Variant type: single nucleotide variant.
Coding change: c.1669A>G on transcript NM_001243133.2 (MANE Select); coding-DNA position 1669, A replaced by G.
Protein change: p.Thr557Ala; replaces threonine 557 with alanine.
Molecular consequence: missense variant.
Genome position (GRCh38, 1-based): chr1:247,425,118, A>G. VCF-style: chr1-247425118-A-G. GRCh37 (hg19) VCF-style: chr1-247588420-A-G.
Other names: c.1669A>G, p.Thr557Ala (NM_001079821.3, NM_001127461.3, NM_001127462.3 and 1 more transcripts); c.1675A>G, p.Thr559Ala (NM_004895.5); short protein forms T559A, T557A.
Identifiers: ClinVar variation 97942 (VCV000097942.11), dbSNP rs180177461, ClinGen allele CA281246.